The following is an entry in ClinVar:

NM_000540.3(RYR1):c.7756G>C (p.Val2586Leu)

Gene: RYR1 (ryanodine receptor 1; plus strand). Cytogenetic location: 19q13.2.
Variant type: single nucleotide variant.
Coding change: c.7756G>C on transcript NM_000540.3 (MANE Select); coding-DNA position 7756, G replaced by C.
Protein change: p.Val2586Leu; replaces valine 2586 with leucine.
Molecular consequence: missense variant.
Genome position (GRCh38, 1-based): chr19:38,502,648, G>C. VCF-style: chr19-38502648-G-C. GRCh37 (hg19) VCF-style: chr19-38993288-G-C.
Other names: c.7756G>C, p.Val2586Leu (NM_001042723.2); short protein forms V2586L.
Identifiers: ClinVar variation 4756797 (VCV004756797.1).

ClinVar aggregate classification (germline): Uncertain significance (1 of 4 stars; one submission).

Conditions:
Malignant hyperthermia, susceptibility to, 1 (MHS1). Also called: RYR1-Related Malignant Hyperthermia Susceptibility; Malignant hyperthermia suceptibility 1; Anesthesia related hyperthermia; Malignant hyperpyrexia; Fulminating hyperpyrexia; Pharmacogenic myopathy. Identifiers: Orphanet 423, MedGen C2930980, MONDO:0007783, OMIM 145600.

Submission:

Color Diagnostics, LLC DBA Color Health
Classification: Uncertain significance for Malignant hyperthermia, susceptibility to, 1. Last evaluated: 2025-07-08. Review status: criteria provided, single submitter. Criteria: ACMG Guidelines, 2015. Collection method: clinical testing. Allele origin: germline.
Comment: This missense variant replaces valine with leucine at codon 2586 of the RYR1 protein. Computational prediction is inconclusive regarding the impact of this variant on protein structure and function. To our knowledge, functional studies have not been reported for this variant. This variant has not been reported in individuals affected with RYR1-related disorders in the literature. This variant has not been identified in the general population by the Genome Aggregation Database (gnomAD). The available evidence is insufficient to determine the role of this variant in disease conclusively. Therefore, this variant is classified as a Variant of Uncertain Significance.